The following is an entry in ClinVar:

ClinVar aggregate classification (germline): Conflicting classifications of pathogenicity. Review status: criteria provided, conflicting classifications (1 of 4 stars). 2 submissions from 2 submitters: Uncertain significance (1); Likely benign (1). Last evaluated 2025-12-12.

Conditions:
DNA2-related disorder. Also called: DNA2-related condition.

Allele frequency attached by ClinVar (database versions not stated): gnomAD exomes below 0.00001; TOPMed below 0.00001; ExAC 0.00001; gnomAD 0.00001.
gnomAD v4.1: 8 of 1,609,866 alleles (0.0005%); highest among the groups gnomAD compares: Middle Eastern, 0.033%; no homozygotes.

Submissions (2):

PreventionGenetics, part of Exact Sciences
Classification: Uncertain significance for DNA2-related condition. Last evaluated: 2025-12-12. Review status: criteria provided, single submitter. Criteria: ACMG Guidelines, 2015. Collection method: clinical testing. Allele origin: germline.
Comment: The DNA2 c.1220+7A>T variant is predicted to interfere with splicing. This variant is predicted to alter splicing based on one available splicing algorithm (SpliceAI, Jaganathan et al. 2019. PubMed ID: 30661751). To our knowledge, this variant has not been reported in the literature. This variant is reported in 0.00089% of alleles in individuals of European (Non-Finnish) descent in gnomAD. At this time, the clinical significance of this variant is uncertain due to the absence of conclusive functional and genetic evidence.

Labcorp Genetics (formerly Invitae), Labcorp
Classification: Likely benign. Last evaluated: 2025-04-14. Review status: criteria provided, single submitter. Criteria: Invitae Variant Classification Sherloc (09022015). Collection method: clinical testing. Allele origin: germline.

NM_001080449.3(DNA2):c.1220+7A>T

Gene: DNA2 (DNA replication helicase/nuclease 2; minus strand). Cytogenetic location: 10q21.3.
Variant type: single nucleotide variant.
Coding change: c.1220+7A>T on transcript NM_001080449.3 (MANE Select); 7 bases into the intron after coding-DNA position 1220, A replaced by T.
Molecular consequence: intron variant.
Genome position (GRCh38, 1-based): chr10:68,444,914, T>A on the plus strand (A>T on the coding strand, the complement: DNA2 is on the minus strand). VCF-style: chr10-68444914-T-A. GRCh37 (hg19) VCF-style: chr10-70204671-T-A.
Other names: c.1220+7A>T (NM_001080449.2).
Identifiers: ClinVar variation 3020893 (VCV003020893.4), dbSNP rs770686296, ClinGen allele CA5525115.
Genomic context (GRCh38, chr10:68,444,914, plus strand): 5'-AGTGTTAAACGTATTTAGTTGAGTTCATACTCAACTAGAAATAATGCCTTTGGTAGACAA[T>A]ATTTACCTGCTATAAAGAGCACAATTGCCAATTTGTGAACAATATTTACAAGTTTTCTCT-3'